The following is an entry in ClinVar:

ClinVar aggregate classification (germline): Uncertain significance (1 of 4 stars; one submission).

Submission:

Medical Genetic Center, Changzhi Maternal and Child Health Care Hospital
Classification: Uncertain significance. Last evaluated: 2025-12-10. Review status: criteria provided, single submitter. Criteria: ACMG/ClinGen CNV Guidelines, 2019. Collection method: clinical testing. Allele origin: unknown.

GRCh38/hg38 6p24.3-24.2(chr6:10500037-10664333)x1

Genes: GCNT2 (glucosaminyl (N-acetyl) transferase 2 (I blood group); plus strand), LOC111591500 (NFE2L2 motif-containing MPRA enhancer 266; plus strand), LOC123575665 (Sharpr-MPRA regulatory region 5327; plus strand), LOC129389441 (MPRA-validated peak5653 silencer; plus strand), LOC129995741 (ATAC-STARR-seq lymphoblastoid active region 23967; plus strand) and 2 more. Cytogenetic location: 6p24.3-24.2.
Variant type: copy number loss.
Change: copy number 1 (one copy instead of two) of chr6:10,500,037-10,664,333 (164.3 kb, GRCh38 coordinates, 1-based), cytogenetic band 6p24.3-24.2.
Identifiers: ClinVar variation 4796213 (VCV004796213.1).